The following is an entry in ClinVar:

NM_001113378.2(FANCI):c.-2C>A

Gene: FANCI (FA complementation group I; plus strand). Cytogenetic location: 15q26.1.
Variant type: single nucleotide variant.
Coding change: c.-2C>A on transcript NM_001113378.2 (MANE Select); 2 bases upstream of the start codon, C replaced by A.
Molecular consequence: 5 prime UTR variant.
Genome position (GRCh38, 1-based): chr15:89,247,646, C>A. VCF-style: chr15-89247646-C-A. GRCh37 (hg19) VCF-style: chr15-89790877-C-A.
Other names: c.-276C>A (NM_001376910.1); c.-2C>A (NM_001376911.1, NM_018193.3).
Identifiers: ClinVar variation 3053965 (VCV003053965.2), dbSNP rs543270150, ClinGen allele CA7722459.
Genomic context (GRCh38, chr15:89,247,646, plus strand): 5'-ATTTCTGGAATCTTCACCCACCTCTGACGTTTTTCCCTTGTAGTTCTGTGATATGAGCAA[C>A]AATGGACCAGAAGATTTTATCTCTAGCAGCAGAAAAAACAGCAGACAAACTGCAAGAATT-3'

ClinVar aggregate classification (germline): Likely benign (0 of 4 stars; one submission).

Conditions:
FANCI-related disorder. Also called: FANCI-related condition.

Allele frequency attached by ClinVar (database versions not stated): TOPMed below 0.00001; gnomAD 0.00001; ExAC 0.00012; 1000 Genomes Project 30x 0.00016; 1000 Genomes Project 0.00020.
gnomAD v4.1: 79 of 1,613,702 alleles (0.0049%); highest among the groups gnomAD compares: South Asian, 0.078%; no homozygotes.

Submission:

PreventionGenetics, part of Exact Sciences
Classification: Likely benign for FANCI-related condition. Last evaluated: 2021-04-23. Review status: no assertion criteria provided. Collection method: clinical testing. Allele origin: germline.
Comment: This variant is classified as likely benign based on ACMG/AMP sequence variant interpretation guidelines (Richards et al. 2015 PMID: 25741868, with internal and published modifications).